The following is an entry in ClinVar:

NM_000051.4(ATM):c.416C>T (p.Ala139Val)

Gene: ATM (ATM serine/threonine kinase; plus strand). Cytogenetic location: 11q22.3.
Variant type: single nucleotide variant.
Coding change: c.416C>T on transcript NM_000051.4 (MANE Select); coding-DNA position 416, C replaced by T.
Protein change: p.Ala139Val; replaces alanine 139 with valine.
Molecular consequence: missense variant.
Genome position (GRCh38, 1-based): chr11:108,235,754, C>T. VCF-style: chr11-108235754-C-T. GRCh37 (hg19) VCF-style: chr11-108106481-C-T.
Other names: c.416C>T, p.Ala139Val (NM_001351834.2); short protein forms A139V.
Identifiers: ClinVar variation 3966669 (VCV003966669.1).

ClinVar aggregate classification (germline): Uncertain significance (1 of 4 stars; one submission).

Conditions:
Hereditary cancer-predisposing syndrome. Also called: Tumor predisposition; Hereditary neoplastic syndrome; Hereditary Cancer Syndrome; Neoplastic Syndromes, Hereditary. Identifiers: Orphanet 140162, MedGen C0027672, MeSH D009386, MONDO:0015356.

gnomAD v4.1: 1 of 1,613,130 alleles (0.000062%); highest among the groups gnomAD compares: Non-Finnish European, 0.000085%; no homozygotes.

Submission:

Ambry Genetics
Classification: Uncertain significance for Hereditary cancer-predisposing syndrome. Last evaluated: 2025-04-23. Review status: criteria provided, single submitter. Criteria: Ambry Variant Classification Scheme 2023. Collection method: clinical testing. Allele origin: germline.
Comment: The p.A139V variant (also known as c.416C>T), located in coding exon 4 of the ATM gene, results from a C to T substitution at nucleotide position 416. The alanine at codon 139 is replaced by valine, an amino acid with similar properties. This amino acid position is not well conserved in available vertebrate species. In addition, this alteration is predicted to be tolerated by in silico analysis. Based on the available evidence, the clinical significance of this variant remains unclear.